The following is an entry in ClinVar:

NM_000498.3(CYP11B2):c.1334T>C (p.Phe445Ser)

Genes: CYP11B2 (cytochrome P450 family 11 subfamily B member 2; minus strand), LOC106799834 (CYP11B2 recombination region; plus strand). Cytogenetic location: 8q24.3.
Variant type: single nucleotide variant.
Coding change: c.1334T>C on transcript NM_000498.3 (MANE Select); coding-DNA position 1334, T replaced by C.
Protein change: p.Phe445Ser; replaces phenylalanine 445 with serine.
Molecular consequence: missense variant.
Genome position (GRCh38, 1-based): chr8:142,912,594, A>G on the plus strand (T>C on the coding strand, the complement: CYP11B2 is on the minus strand). VCF-style: chr8-142912594-A-G. GRCh37 (hg19) VCF-style: chr8-143994010-A-G.
Other names: short protein forms F445S.
Identifiers: ClinVar variation 2051743 (VCV002051743.1), dbSNP rs753349034, ClinGen allele CA4905842.

ClinVar aggregate classification (germline): Uncertain significance (1 of 4 stars; one submission).

Allele frequency attached by ClinVar (database versions not stated): gnomAD exomes below 0.00001; ExAC 0.00001.

Submission:

Labcorp Genetics (formerly Invitae), Labcorp
Classification: Uncertain significance. Last evaluated: 2022-05-30. Review status: criteria provided, single submitter. Criteria: Invitae Variant Classification Sherloc (09022015). Collection method: clinical testing. Allele origin: germline.
Comment: This sequence change replaces phenylalanine, which is neutral and non-polar, with serine, which is neutral and polar, at codon 445 of the CYP11B2 protein (p.Phe445Ser). This variant is not present in population databases (gnomAD no frequency). This variant has not been reported in the literature in individuals affected with CYP11B2-related conditions. Advanced modeling of protein sequence and biophysical properties (such as structural, functional, and spatial information, amino acid conservation, physicochemical variation, residue mobility, and thermodynamic stability) performed at Invitae indicates that this missense variant is not expected to disrupt CYP11B2 protein function. In summary, the available evidence is currently insufficient to determine the role of this variant in disease. Therefore, it has been classified as a Variant of Uncertain Significance.